The following is an entry in ClinVar:

ClinVar aggregate classification (germline): Uncertain significance (1 of 4 stars; one submission).

Allele frequency attached by ClinVar (database versions not stated): gnomAD exomes below 0.00001.
gnomAD v4.1: 2 of 1,585,124 alleles (0.00013%); highest among the groups gnomAD compares: Admixed American, 0.0035%; no homozygotes.

Submission:

Labcorp Genetics (formerly Invitae), Labcorp
Classification: Uncertain significance. Last evaluated: 2022-08-03. Review status: criteria provided, single submitter. Criteria: Invitae Variant Classification Sherloc (09022015). Collection method: clinical testing. Allele origin: germline.
Comment: This sequence change replaces isoleucine, which is neutral and non-polar, with threonine, which is neutral and polar, at codon 368 of the DSCAML1 protein (p.Ile368Thr). This variant is not present in population databases (gnomAD no frequency). This variant has not been reported in the literature in individuals affected with DSCAML1-related conditions. Algorithms developed to predict the effect of missense changes on protein structure and function output the following: SIFT: "Tolerated"; PolyPhen-2: "Benign"; Align-GVGD: "Class C0". The threonine amino acid residue is found in multiple mammalian species, which suggests that this missense change does not adversely affect protein function. In summary, the available evidence is currently insufficient to determine the role of this variant in disease. Therefore, it has been classified as a Variant of Uncertain Significance.

NM_020693.4(DSCAML1):c.923T>C (p.Ile308Thr)

Gene: DSCAML1 (DS cell adhesion molecule like 1; minus strand). Cytogenetic location: 11q23.3.
Variant type: single nucleotide variant.
Coding change: c.923T>C on transcript NM_020693.4 (MANE Select); coding-DNA position 923, T replaced by C.
Protein change: p.Ile308Thr; replaces isoleucine 308 with threonine.
Molecular consequence: missense variant.
Genome position (GRCh38, 1-based): chr11:117,524,819, A>G on the plus strand (T>C on the coding strand, the complement: DSCAML1 is on the minus strand). VCF-style: chr11-117524819-A-G. GRCh37 (hg19) VCF-style: chr11-117395534-A-G.
Other names: c.923T>C, p.Ile308Thr (NM_001367904.1); c.515T>C, p.Ile172Thr (NM_001367905.1); short protein forms I308T, I172T.
Identifiers: ClinVar variation 2021288 (VCV002021288.4), dbSNP rs1005043807, ClinGen allele CA229378319.